The following is an entry in ClinVar:

ClinVar aggregate classification (germline): Uncertain significance (1 of 4 stars; one submission).

Conditions:
Hereditary diffuse gastric adenocarcinoma (HDGC). Also called: DIFFUSE GASTRIC AND LOBULAR BREAST CANCER SYNDROME. Identifiers: Orphanet 26106, MedGen C1708349, MONDO:0007648, OMIM 137215.

Submission:

Labcorp Genetics (formerly Invitae), Labcorp
Classification: Uncertain significance for Hereditary diffuse gastric adenocarcinoma. Last evaluated: 2019-08-13. Review status: criteria provided, single submitter. Criteria: Invitae Variant Classification Sherloc (09022015). Collection method: clinical testing. Allele origin: germline.
Comment: This sequence change replaces arginine with proline at codon 779 of the CDH1 protein (p.Arg779Pro). The arginine residue is highly conserved and there is a moderate physicochemical difference between arginine and proline. This variant is not present in population databases (ExAC no frequency). This variant has not been reported in the literature in individuals with CDH1-related conditions. Algorithms developed to predict the effect of missense changes on protein structure and function are either unavailable or do not agree on the potential impact of this missense change (SIFT: "Deleterious"; PolyPhen-2: "Probably Damaging"; Align-GVGD: "Class C0"). In summary, the available evidence is currently insufficient to determine the role of this variant in disease. Therefore, it has been classified as a Variant of Uncertain Significance.

NM_004360.5(CDH1):c.2336G>C (p.Arg779Pro)

Gene: CDH1 (cadherin 1; plus strand). Cytogenetic location: 16q22.1.
Variant type: single nucleotide variant.
Coding change: c.2336G>C on transcript NM_004360.5 (MANE Select); coding-DNA position 2336, G replaced by C.
Protein change: p.Arg779Pro; replaces arginine 779 with proline.
Molecular consequence: missense variant.
Genome position (GRCh38, 1-based): chr16:68,829,694, G>C. VCF-style: chr16-68829694-G-C. GRCh37 (hg19) VCF-style: chr16-68863597-G-C.
Other names: c.2153G>C, p.Arg718Pro (NM_001317184.2); c.788G>C, p.Arg263Pro (NM_001317185.2); c.371G>C, p.Arg124Pro (NM_001317186.2); short protein forms R779P, R718P, R124P, R263P.
Identifiers: ClinVar variation 960430 (VCV000960430.10), dbSNP rs587781311, ClinGen allele CA396470933.
Genomic context (GRCh38, chr16:68,829,694, plus strand): 5'-TCAACCTTTTTTCTCCAAAGGACTTTGACTTGAGCCAGCTGCACAGGGGCCTGGACGCTC[G>C]GCCTGAAGTGACTCGTAACGACGTTGCACCAACCCTCATGAGTGTCCCCCGGTATCTTCC-3'
Protein context (NP_004351.1, residues 769-789): LSQLHRGLDA[Arg779Pro]PEVTRNDVAP